The following is an entry in ClinVar:

ClinVar aggregate classification (germline): Uncertain significance (1 of 4 stars; one submission).

Conditions:
Hereditary cancer-predisposing syndrome. Also called: Tumor predisposition; Neoplastic Syndromes, Hereditary; Hereditary Cancer Syndrome; Hereditary neoplastic syndrome. Identifiers: Orphanet 140162, MedGen C0027672, MeSH D009386, MONDO:0015356.

Submission:

Ambry Genetics
Classification: Uncertain significance for Hereditary cancer-predisposing syndrome. Last evaluated: 2024-09-30. Review status: criteria provided, single submitter. Criteria: Ambry Variant Classification Scheme 2023. Collection method: clinical testing. Allele origin: germline.
Comment: The p.A181E variant (also known as c.542C>A), located in coding exon 6 of the FANCC gene, results from a C to A substitution at nucleotide position 542. The alanine at codon 181 is replaced by glutamic acid, an amino acid with dissimilar properties. This amino acid position is conserved. In addition, this alteration is predicted to be tolerated by in silico analysis. Based on the available evidence, the clinical significance of this variant remains unclear.

NM_000136.3(FANCC):c.542C>A (p.Ala181Glu)

Genes: AOPEP (aminopeptidase O (putative); plus strand), FANCC (FA complementation group C; minus strand). Cytogenetic location: 9q22.32.
Variant type: single nucleotide variant.
Coding change: c.542C>A on transcript NM_000136.3 (MANE Select); coding-DNA position 542, C replaced by A.
Protein change: p.Ala181Glu; replaces alanine 181 with glutamic acid.
Molecular consequence: missense variant.
Genome position (GRCh38, 1-based): chr9:95,150,067, G>T on the plus strand (C>A on the coding strand, the complement: FANCC is on the minus strand). VCF-style: chr9-95150067-G-T. GRCh37 (hg19) VCF-style: chr9-97912349-G-T.
Other names: c.542C>A, p.Ala181Glu (NM_001243743.2, NM_001243744.2); short protein forms A181E.
Identifiers: ClinVar variation 3512789 (VCV003512789.1).